The following is an entry in ClinVar:

ClinVar aggregate classification (germline): Uncertain significance. Review status: criteria provided, multiple submitters, no conflicts (2 of 4 stars). 2 submissions from 2 submitters: Uncertain significance (2). Last evaluated 2026-01-10.

Conditions:
Hereditary cancer-predisposing syndrome. Also called: Tumor predisposition; Neoplastic Syndromes, Hereditary; Hereditary Cancer Syndrome; Hereditary neoplastic syndrome. Identifiers: Orphanet 140162, MedGen C0027672, MeSH D009386, MONDO:0015356.
Familial adenomatous polyposis 1 (FAP1). Also called: FAMILIAL ADENOMATOUS POLYPOSIS 1, ATTENUATED; POLYPOSIS, ADENOMATOUS INTESTINAL. Identifiers: MedGen C2713442, MONDO:0021056, OMIM 175100. Disease mechanism: loss of function.

Submissions (2):

Labcorp Genetics (formerly Invitae), Labcorp
Classification: Uncertain significance for Familial adenomatous polyposis 1. Last evaluated: 2026-01-10. Review status: criteria provided, single submitter. Criteria: Invitae Variant Classification Sherloc (09022015). Collection method: clinical testing. Allele origin: germline.
Comment: This sequence change replaces arginine, which is basic and polar, with lysine, which is basic and polar, at codon 1048 of the APC protein (p.Arg1048Lys). This variant is not present in population databases (gnomAD no frequency). This variant has not been reported in the literature in individuals affected with APC-related conditions. ClinVar contains an entry for this variant (Variation ID: 2822260). Invitae Evidence Modeling of protein sequence and biophysical properties (such as structural, functional, and spatial information, amino acid conservation, physicochemical variation, residue mobility, and thermodynamic stability) indicates that this missense variant is not expected to disrupt APC protein function with a negative predictive value of 95%. In summary, the available evidence is currently insufficient to determine the role of this variant in disease. Therefore, it has been classified as a Variant of Uncertain Significance.

Ambry Genetics
Classification: Uncertain significance for Hereditary cancer-predisposing syndrome. Last evaluated: 2026-01-06. Review status: criteria provided, single submitter. Criteria: Ambry Variant Classification Scheme 2023. Collection method: clinical testing. Allele origin: germline.
Comment: The p.R1048K variant (also known as c.3143G>A), located in coding exon 15 of the APC gene, results from a G to A substitution at nucleotide position 3143. The arginine at codon 1048 is replaced by lysine, an amino acid with highly similar properties. This amino acid position is conserved. In addition, in silico predictors for this gene do not accurately predict pathogenicity. Based on the available evidence, the clinical significance of this variant remains unclear.

NM_000038.6(APC):c.3143G>A (p.Arg1048Lys)

Gene: APC (APC regulator of Wnt signaling pathway; plus strand). Cytogenetic location: 5q22.2.
Variant type: single nucleotide variant.
Coding change: c.3143G>A on transcript NM_000038.6 (MANE Select); coding-DNA position 3143, G replaced by A.
Protein change: p.Arg1048Lys; replaces arginine 1048 with lysine.
Molecular consequence: missense variant. On other transcripts: non-coding transcript variant (2).
Genome position (GRCh38, 1-based): chr5:112,838,737, G>A. VCF-style: chr5-112838737-G-A. GRCh37 (hg19) VCF-style: chr5-112174434-G-A.
Other names: c.3143G>A (NM_000038.5); c.3143G>A, p.Arg1048Lys (NM_001354895.2, NM_001127510.3, NM_001407450.1); c.3197G>A, p.Arg1066Lys (NM_001354896.2, NM_001407447.1, NM_001407448.1 and 1 more transcripts); c.3173G>A, p.Arg1058Lys (NM_001354897.2); c.3068G>A, p.Arg1023Lys (NM_001354898.2); c.3059G>A, p.Arg1020Lys (NM_001354899.2); c.3020G>A, p.Arg1007Lys (NM_001354900.2); c.2966G>A, p.Arg989Lys (NM_001354901.2, NM_001407453.1); and 12 more; short protein forms R1038K, R1048K, R765K, R1058K, R664K, R957K, R989K, R1020K.
Identifiers: ClinVar variation 2822260 (VCV002822260.4), dbSNP rs1321678123, ClinGen allele CA16028221.